The following is an entry in ClinVar:

NM_017617.5(NOTCH1):c.719C>T (p.Thr240Ile)

Gene: NOTCH1 (notch receptor 1; minus strand). Cytogenetic location: 9q34.3.
Variant type: single nucleotide variant.
Coding change: c.719C>T on transcript NM_017617.5 (MANE Select); coding-DNA position 719, C replaced by T.
Protein change: p.Thr240Ile; replaces threonine 240 with isoleucine.
Molecular consequence: missense variant.
Genome position (GRCh38, 1-based): chr9:136,522,873, G>A on the plus strand (C>T on the coding strand, the complement: NOTCH1 is on the minus strand). VCF-style: chr9-136522873-G-A. GRCh37 (hg19) VCF-style: chr9-139417325-G-A.
Other names: short protein forms T240I.
Identifiers: ClinVar variation 2662769 (VCV002662769.1), dbSNP rs777523286, ClinGen allele CA375569109.

ClinVar aggregate classification (germline): Uncertain significance (1 of 4 stars; one submission).

Submission:

GeneDx
Classification: Uncertain significance. Last evaluated: 2023-04-04. Review status: criteria provided, single submitter. Criteria: GeneDx Variant Classification Process June 2021. Collection method: clinical testing. Allele origin: germline. Affected: yes.
Comment: Has not been previously published as pathogenic or benign to our knowledge; Not observed at significant frequency in large population cohorts (gnomAD); In silico analysis supports that this missense variant has a deleterious effect on protein structure/function